The following is an entry in ClinVar:

ClinVar aggregate classification (germline): Uncertain significance (1 of 4 stars; one submission).

Conditions:
Familial thoracic aortic aneurysm and aortic dissection (TAAD). Also called: Thoracic aortic aneurysms and dissections. Identifiers: Orphanet 91387, MedGen C4707243, MONDO:0019625.

gnomAD v4.1: 1 of 1,613,892 alleles (0.000062%); highest among the groups gnomAD compares: Admixed American, 0.0017%; no homozygotes.

Submission:

Labcorp Genetics (formerly Invitae), Labcorp
Classification: Uncertain significance for Familial thoracic aortic aneurysm and aortic dissection. Last evaluated: 2025-06-19. Review status: criteria provided, single submitter. Criteria: Invitae Variant Classification Sherloc (09022015). Collection method: clinical testing. Allele origin: germline.
Comment: This sequence change replaces lysine, which is basic and polar, with glutamic acid, which is acidic and polar, at codon 443 of the TGFBR1 protein (p.Lys443Glu). This variant is present in population databases (rs745499424, gnomAD 0.003%). This variant has not been reported in the literature in individuals affected with TGFBR1-related conditions. Invitae Evidence Modeling of protein sequence and biophysical properties (such as structural, functional, and spatial information, amino acid conservation, physicochemical variation, residue mobility, and thermodynamic stability) indicates that this missense variant is not expected to disrupt TGFBR1 protein function with a negative predictive value of 80%. In summary, the available evidence is currently insufficient to determine the role of this variant in disease. Therefore, it has been classified as a Variant of Uncertain Significance.

NM_004612.4(TGFBR1):c.1327A>G (p.Lys443Glu)

Gene: TGFBR1 (transforming growth factor beta receptor 1; plus strand). Cytogenetic location: 9q22.33.
Variant type: single nucleotide variant.
Coding change: c.1327A>G on transcript NM_004612.4 (MANE Select); coding-DNA position 1327, A replaced by G.
Protein change: p.Lys443Glu; replaces lysine 443 with glutamic acid.
Molecular consequence: missense variant. On other transcripts: non-coding transcript variant (4).
Genome position (GRCh38, 1-based): chr9:99,147,725, A>G. VCF-style: chr9-99147725-A-G. GRCh37 (hg19) VCF-style: chr9-101910007-A-G.
Other names: c.1096A>G, p.Lys366Glu (NM_001130916.3, NM_001407435.1); c.1339A>G, p.Lys447Glu (NM_001306210.2); c.1171A>G, p.Lys391Glu (NM_001407416.1); c.1159A>G, p.Lys387Glu (NM_001407417.1); c.1132A>G, p.Lys378Glu (NM_001407418.1, NM_001407419.1, NM_001407420.1 and 1 more transcripts); c.1120A>G, p.Lys374Glu (NM_001407423.1, NM_001407424.1, NM_001407425.1 and 8 more transcripts); c.1081A>G, p.Lys361Glu (NM_001407436.1); c.619A>G, p.Lys207Glu (NM_001407437.1); and 1 more; short protein forms K361E, K391E, K447E, K207E, K284E, K374E, K387E, K378E.
Identifiers: ClinVar variation 4745055 (VCV004745055.1).